The following is an entry in ClinVar:

ClinVar aggregate classification (germline): Uncertain significance (1 of 4 stars; one submission).

Conditions:
Cardiovascular phenotype. Identifiers: MedGen CN230736.

Submission:

Ambry Genetics
Classification: Uncertain significance for Cardiovascular phenotype. Last evaluated: 2024-02-24. Review status: criteria provided, single submitter. Criteria: Ambry Variant Classification Scheme 2023. Collection method: clinical testing. Allele origin: germline.
Comment: The p.S235R variant (also known as c.705C>A), located in coding exon 1 of the ALPK3 gene, results from a C to A substitution at nucleotide position 705. The serine at codon 235 is replaced by arginine, an amino acid with dissimilar properties. This amino acid position is conserved. In addition, this alteration is predicted to be tolerated by in silico analysis. Based on the available evidence, the clinical significance of this alteration remains unclear.

NM_020778.5(ALPK3):c.99C>A (p.Ser33Arg)

Gene: ALPK3 (alpha kinase 3; plus strand). Cytogenetic location: 15q25.3.
Variant type: single nucleotide variant.
Coding change: c.99C>A on transcript NM_020778.5 (MANE Select); coding-DNA position 99, C replaced by A.
Protein change: p.Ser33Arg; replaces serine 33 with arginine.
Molecular consequence: missense variant.
Genome position (GRCh38, 1-based): chr15:84,817,551, C>A. VCF-style: chr15-84817551-C-A. GRCh37 (hg19) VCF-style: chr15-85360782-C-A.
Other names: short protein forms S33R.
Identifiers: ClinVar variation 3227495 (VCV003227495.1), dbSNP rs2505689370, ClinGen allele CA393369466.